The following is an entry in ClinVar:

ClinVar aggregate classification (germline): Conflicting classifications of pathogenicity. Review status: criteria provided, conflicting classifications (1 of 4 stars). 6 submissions from 6 submitters: Uncertain significance (3); Likely benign (2). 1 of the submissions does not count toward it. Last evaluated 2025-10-01.

Conditions:
Autoinflammatory syndrome. Identifiers: Orphanet 93665, MedGen C3890737, MONDO:0019751.
Sneddon syndrome (SNDNS). Also called: LIVEDO RETICULARIS AND CEREBROVASCULAR ACCIDENTS; Idiopathic livedo reticularis with systemic involvement. Identifiers: Orphanet 820, MedGen C0282492, MONDO:0008436, OMIM 182410.
Deficiency of adenosine deaminase 2. Also called: Polyarteritis nodosa, childhoood-onset; Adenosine Deaminase 2 Deficiency; VASCULITIS, AUTOINFLAMMATION, IMMUNODEFICIENCY, AND HEMATOLOGIC DEFECTS SYNDROME. Identifiers: Orphanet 404553, MedGen C3887654, MONDO:0014306, OMIM 615688, MONDO:0100317.

Allele frequency attached by ClinVar (database versions not stated): gnomAD 0.00041; ESP Exome Variant Server 0.00046; TOPMed 0.00049.
gnomAD v4.1: 1,479 of 1,612,710 alleles (0.092%); highest among the groups gnomAD compares: Non-Finnish European, 0.12%; 1 homozygote.

Submissions (6):

CeGaT Center for Human Genetics Tuebingen
Classification: Likely benign. Last evaluated: 2025-10-01. Review status: criteria provided, single submitter. Criteria: CeGaT Center For Human Genetics Tuebingen Variant Classification Criteria Version 2. Collection method: clinical testing. Allele origin: germline. Affected: yes. Observed: 3 variant alleles.
Comment: ADA2: BP4

Labcorp Genetics (formerly Invitae), Labcorp
Classification: Uncertain significance for Deficiency of adenosine deaminase 2. Last evaluated: 2025-01-22. Review status: criteria provided, single submitter. Criteria: Invitae Variant Classification Sherloc (09022015). Collection method: clinical testing. Allele origin: germline.
Comment: This sequence change replaces glutamic acid, which is acidic and polar, with aspartic acid, which is acidic and polar, at codon 489 of the ADA2 protein (p.Glu489Asp). This variant is present in population databases (rs61738625, gnomAD 0.07%). This variant has not been reported in the literature in individuals affected with ADA2-related conditions. ClinVar contains an entry for this variant (Variation ID: 569098). An algorithm developed to predict the effect of missense changes on protein structure and function outputs the following: PolyPhen-2: "Benign". The aspartic acid amino acid residue is found in multiple mammalian species, which suggests that this missense change does not adversely affect protein function. In summary, the available evidence is currently insufficient to determine the role of this variant in disease. Therefore, it has been classified as a Variant of Uncertain Significance.

Blueprint Genetics
Classification: Uncertain significance. Last evaluated: 2024-11-01. Review status: criteria provided, single submitter. Criteria: ACMG Guidelines, 2015. Collection method: clinical testing. Allele origin: germline.

Fulgent Genetics
Classification: Likely benign for Sneddon syndrome; Deficiency of adenosine deaminase 2. Last evaluated: 2024-03-12. Review status: criteria provided, single submitter. Criteria: ACMG Guidelines, 2015. Collection method: clinical testing. Allele origin: germline.

Genome Diagnostics Laboratory, The Hospital for Sick Children
Classification: Uncertain significance for Autoinflammatory syndrome. Last evaluated: 2021-01-22. Review status: criteria provided, single submitter. Criteria: ACMG Guidelines, 2015. Collection method: clinical testing. Allele origin: germline. Affected: yes.

Genetic Services Laboratory, University of Chicago
Classification: Uncertain significance. Last evaluated: 2022-07-11. Review status: no assertion criteria provided. Collection method: clinical testing. Allele origin: germline. Affected: no. Not counted in ClinVar's aggregate classification.
Comment: DNA sequence analysis of the ADA2 gene demonstrated a sequence change, c.1467G>C, in exon 10 that results in an amino acid change, p.Glu489Asp. This sequence change does not appear to have been previously described in individuals with ADA2-related disorders. This sequence change has been described in the gnomAD database with a frequency of 0.075% in the European subpopulation (dbSNP rs61738625). The p.Glu489Asp change affects a poorly conserved amino acid residue located in a domain of the ADA2 protein that is known to be functional. The p.Glu489Asp substitution appears to be benign using several in-silico pathogenicity prediction tools (SIFT, PolyPhen2, Align GVGD, REVEL). Due to insufficient evidences and the lack of functional studies, the clinical significance of the p.Glu489Asp change remains unknown at this time.

NM_001282225.2(ADA2):c.1467G>C (p.Glu489Asp)

Gene: ADA2 (adenosine deaminase 2; minus strand). Cytogenetic location: 22q11.1.
Variant type: single nucleotide variant.
Coding change: c.1467G>C on transcript NM_001282225.2 (MANE Select); coding-DNA position 1467, G replaced by C.
Protein change: p.Glu489Asp; replaces glutamic acid 489 with aspartic acid.
Molecular consequence: missense variant.
Genome position (GRCh38, 1-based): chr22:17,181,552, C>G on the plus strand (G>C on the coding strand, the complement: ADA2 is on the minus strand). VCF-style: chr22-17181552-C-G. GRCh37 (hg19) VCF-style: chr22-17662442-C-G.
Other names: c.1467G>C, p.Glu489Asp (NM_001282226.2); c.1341G>C, p.Glu447Asp (NM_001282227.2, NM_001282228.2); c.1107G>C, p.Glu369Asp (NM_001282229.2); c.744G>C, p.Glu248Asp (NM_177405.3); short protein forms E489D, E248D, E369D, E447D.
Identifiers: ClinVar variation 569098 (VCV000569098.38), dbSNP rs61738625, ClinGen allele CA10087839.